The following is an entry in ClinVar:

NM_030665.4(RAI1):c.4618C>G (p.Leu1540Val)

Gene: RAI1 (retinoic acid induced 1; plus strand). Cytogenetic location: 17p11.2.
Variant type: single nucleotide variant.
Coding change: c.4618C>G on transcript NM_030665.4 (MANE Select); coding-DNA position 4618, C replaced by G.
Protein change: p.Leu1540Val; replaces leucine 1540 with valine.
Molecular consequence: missense variant.
Genome position (GRCh38, 1-based): chr17:17,797,566, C>G. VCF-style: chr17-17797566-C-G. GRCh37 (hg19) VCF-style: chr17-17700880-C-G.
Other names: c.4618C>G (NM_030665.3); short protein forms L1540V.
Identifiers: ClinVar variation 2991857 (VCV002991857.4), dbSNP rs761548175, ClinGen allele CA8418994.

ClinVar aggregate classification (germline): Uncertain significance. Review status: criteria provided, multiple submitters, no conflicts (2 of 4 stars). 2 submissions from 2 submitters: Uncertain significance (2). Last evaluated 2025-10-23.

Conditions:
RAI1-related disorder. Also called: RAI1-related condition.

Allele frequency attached by ClinVar (database versions not stated): gnomAD exomes below 0.00001; ExAC 0.00001; gnomAD 0.00001.

Submissions (2):

PreventionGenetics, part of Exact Sciences
Classification: Uncertain significance for RAI1-related condition. Last evaluated: 2025-10-23. Review status: criteria provided, single submitter. Criteria: ACMG Guidelines, 2015. Collection method: clinical testing. Allele origin: germline.
Comment: The RAI1 c.4618C>G variant is predicted to result in the amino acid substitution p.Leu1540Val. To our knowledge, this variant has not been reported in the literature. This variant is reported in 0.00088% of alleles in individuals of European (Non-Finnish) descent in gnomAD. At this time, the clinical significance of this variant is uncertain due to the absence of conclusive functional and genetic evidence.

Labcorp Genetics (formerly Invitae), Labcorp
Classification: Uncertain significance. Last evaluated: 2023-05-14. Review status: criteria provided, single submitter. Criteria: Invitae Variant Classification Sherloc (09022015). Collection method: clinical testing. Allele origin: germline.
Comment: In summary, the available evidence is currently insufficient to determine the role of this variant in disease. Therefore, it has been classified as a Variant of Uncertain Significance. Advanced modeling of protein sequence and biophysical properties (such as structural, functional, and spatial information, amino acid conservation, physicochemical variation, residue mobility, and thermodynamic stability) performed at Invitae indicates that this missense variant is not expected to disrupt RAI1 protein function. This variant has not been reported in the literature in individuals affected with RAI1-related conditions. This variant is present in population databases (rs761548175, gnomAD 0.0009%). This sequence change replaces leucine, which is neutral and non-polar, with valine, which is neutral and non-polar, at codon 1540 of the RAI1 protein (p.Leu1540Val).